The following is an entry in ClinVar:

NM_170707.4(LMNA):c.107A>C (p.Gln36Pro)

Gene: LMNA (lamin A/C; plus strand). Cytogenetic location: 1q22.
Variant type: single nucleotide variant.
Coding change: c.107A>C on transcript NM_170707.4 (MANE Select); coding-DNA position 107, A replaced by C.
Protein change: p.Gln36Pro; replaces glutamine 36 with proline.
Molecular consequence: missense variant.
Genome position (GRCh38, 1-based): chr1:156,115,025, A>C. VCF-style: chr1-156115025-A-C. GRCh37 (hg19) VCF-style: chr1-156084816-A-C.
Other names: c.-295A>C (NM_001406995.1, NM_001407002.1, NM_001406990.1); c.-738A>C (NM_001406999.1); c.-558A>C (NM_001407000.1, NM_001406994.1); c.-401A>C (NM_001407001.1); c.107A>C, p.Gln36Pro (NM_005572.4, NM_170708.4, NM_001282625.2 and 6 more transcripts); c.-317A>C (NM_001406986.1); short protein forms Q36P.
Identifiers: ClinVar variation 2433481 (VCV002433481.10), dbSNP rs2527830896, ClinGen allele CA342807572.
Genomic context (GRCh38, chr1:156,115,025, plus strand): 5'-CCAGCTCCACTCCGCTGTCGCCCACCCGCATCACCCGGCTGCAGGAGAAGGAGGACCTGC[A>C]GGAGCTCAATGATCGCTTGGCGGTCTACATCGACCGTGTGCGCTCGCTGGAAACGGAGAA-3'
Protein context (NP_733821.1, residues 26-46): ITRLQEKEDL[Gln36Pro]ELNDRLAVYI

ClinVar aggregate classification (germline): Uncertain significance. Review status: criteria provided, multiple submitters, no conflicts (2 of 4 stars). 2 submissions from 2 submitters: Uncertain significance (2). Last evaluated 2025-03-01.

Submissions (2):

CeGaT Center for Human Genetics Tuebingen
Classification: Uncertain significance. Last evaluated: 2025-03-01. Review status: criteria provided, single submitter. Criteria: CeGaT Center For Human Genetics Tuebingen Variant Classification Criteria Version 2. Collection method: clinical testing. Allele origin: germline. Affected: yes. Observed: 1 variant allele.
Comment: LMNA: PM2, PS2:Moderate

Revvity Omics, Revvity
Classification: Uncertain significance. Last evaluated: 2022-03-04. Review status: criteria provided, single submitter. Criteria: ACMG Guidelines, 2015. Collection method: clinical testing. Allele origin: germline.